The following is an entry in ClinVar:

NM_000540.3(RYR1):c.2348C>T (p.Ser783Leu)

Gene: RYR1 (ryanodine receptor 1; plus strand). Cytogenetic location: 19q13.2.
Variant type: single nucleotide variant.
Coding change: c.2348C>T on transcript NM_000540.3 (MANE Select); coding-DNA position 2348, C replaced by T.
Protein change: p.Ser783Leu; replaces serine 783 with leucine.
Molecular consequence: missense variant.
Genome position (GRCh38, 1-based): chr19:38,459,326, C>T. VCF-style: chr19-38459326-C-T. GRCh37 (hg19) VCF-style: chr19-38949966-C-T.
Other names: c.2348C>T, p.Ser783Leu (NM_001042723.2); short protein forms S783L.
Identifiers: ClinVar variation 478211 (VCV000478211.8), dbSNP rs1444347791, ClinGen allele CA405628252.

ClinVar aggregate classification (germline): Uncertain significance (1 of 4 stars; one submission).

Conditions:
RYR1-related disorder. Also called: RYR1-related condition; RYR1-related disorders. Identifiers: MedGen CN239331.

Allele frequency attached by ClinVar (database versions not stated): gnomAD exomes below 0.00001.
gnomAD v4.1: 3 of 1,614,060 alleles (0.00019%); highest among the groups gnomAD compares: East Asian, 0.0022%; no homozygotes.

Submission:

Labcorp Genetics (formerly Invitae), Labcorp
Classification: Uncertain significance for RYR1-related disorder. Last evaluated: 2025-10-09. Review status: criteria provided, single submitter. Criteria: Invitae Variant Classification Sherloc (09022015). Collection method: clinical testing. Allele origin: germline.
Comment: This sequence change replaces serine, which is neutral and polar, with leucine, which is neutral and non-polar, at codon 783 of the RYR1 protein (p.Ser783Leu). This variant is present in population databases (no rsID available, gnomAD 0.006%). This missense change has been observed in individual(s) with autosomal recessive RYR1-related myopathy (PMID: 28269792, 38968056). ClinVar contains an entry for this variant (Variation ID: 478211). Invitae Evidence Modeling of protein sequence and biophysical properties (such as structural, functional, and spatial information, amino acid conservation, physicochemical variation, residue mobility, and thermodynamic stability) indicates that this missense variant is expected to disrupt RYR1 protein function with a positive predictive value of 80%. In summary, the available evidence is currently insufficient to determine the role of this variant in disease. Therefore, it has been classified as a Variant of Uncertain Significance.

Literature cited by the submitters: PubMed 28269792; PubMed 38968056.